The following is an entry in ClinVar:

NC_000008.10:g.(?_145736804)_(145743178_?)dup

Gene: RECQL4 (RecQ like helicase 4; minus strand). Cytogenetic location: 8q24.3.
Variant type: Duplication.
Identifiers: ClinVar variation 657899 (VCV000657899.4).

ClinVar aggregate classification (germline): Uncertain significance (1 of 4 stars; one submission).

Conditions:
Baller-Gerold syndrome (BGS). Also called: CRANIOSYNOSTOSIS WITH RADIAL DEFECTS. Identifiers: Orphanet 1225, MedGen C0265308, MONDO:0009039, OMIM 218600.

Submission:

Labcorp Genetics (formerly Invitae), Labcorp
Classification: Uncertain significance for Baller-Gerold syndrome. Last evaluated: 2020-03-16. Review status: criteria provided, single submitter. Criteria: Invitae Variant Classification Sherloc (09022015). Collection method: clinical testing. Allele origin: germline.
Comment: This variant results in a copy number gain of the genomic region encompassing the full coding sequence of the RECQL4 gene. The boundaries of this event are unknown as they extend beyond the assayed region for this gene and therefore may encompass additional genes. As the precise location of this event is unknown, it may be in tandem or it may be located elsewhere in the genome. This variant has not been reported in the literature in individuals with RECQL4-related conditions. In summary, the available evidence is currently insufficient to determine the role of this variant in disease. Therefore, it has been classified as a Variant of Uncertain Significance.